The following is an entry in ClinVar:

ClinVar aggregate classification (germline): Uncertain significance (1 of 4 stars; one submission).

Conditions:
Inborn genetic diseases. Identifiers: MedGen C0950123, MeSH D030342.

Submission:

Ambry Genetics
Classification: Uncertain significance for Inborn genetic diseases. Last evaluated: 2026-04-28. Review status: criteria provided, single submitter. Criteria: Ambry Variant Classification Scheme 2023. Collection method: clinical testing. Allele origin: germline.
Comment: The p.Q159H variant (also known as c.477G>C), located in coding exon 5 of the ETV6 gene, results from a G to C substitution at nucleotide position 477. The glutamine at codon 159 is replaced by histidine, an amino acid with highly similar properties. This amino acid position is conserved. In addition, this alteration is predicted to be tolerated by in silico analysis. Based on the available evidence, the clinical significance of this variant remains unclear.

NM_001987.5(ETV6):c.477G>C (p.Gln159His)

Gene: ETV6 (ETS variant transcription factor 6; plus strand). Cytogenetic location: 12p13.2.
Variant type: single nucleotide variant.
Coding change: c.477G>C on transcript NM_001987.5 (MANE Select); coding-DNA position 477, G replaced by C.
Protein change: p.Gln159His; replaces glutamine 159 with histidine.
Molecular consequence: missense variant.
Genome position (GRCh38, 1-based): chr12:11,869,437, G>C. VCF-style: chr12-11869437-G-C. GRCh37 (hg19) VCF-style: chr12-12022371-G-C.
Other names: c.477G>C, p.Gln159His (NM_001413916.1, NM_001413917.1); c.474G>C, p.Gln158His (NM_001413913.1); c.450G>C, p.Gln150His (NM_001413914.1); c.213G>C, p.Gln71His (NM_001413915.1); short protein forms Q150H, Q158H, Q159H, Q71H.
Identifiers: ClinVar variation 4870644 (VCV004870644.1).